The following is an entry in ClinVar:

NM_002224.4(ITPR3):c.911A>T (p.Tyr304Phe)

Gene: ITPR3 (inositol 1,4,5-trisphosphate receptor type 3; plus strand). Cytogenetic location: 6p21.31.
Variant type: single nucleotide variant.
Coding change: c.911A>T on transcript NM_002224.4 (MANE Select); coding-DNA position 911, A replaced by T.
Protein change: p.Tyr304Phe; replaces tyrosine 304 with phenylalanine.
Molecular consequence: missense variant.
Genome position (GRCh38, 1-based): chr6:33,662,963, A>T. VCF-style: chr6-33662963-A-T. GRCh37 (hg19) VCF-style: chr6-33630740-A-T.
Other names: short protein forms Y304F.
Identifiers: ClinVar variation 4075709 (VCV004075709.1).
Genomic context (GRCh38, chr6:33,662,963, plus strand): 5'-GCCCCTAGGTGGTCCACCACGACCCCTGCCGTGGAGGAGCTGGGCACTGGAATGGCTTGT[A>T]CCGCTTCAAGCACCTGGCTACAGGCAACTACCTGGCTGCTGAGGTGAGCGGGAGGTAGAG-3'
Protein context (NP_002215.2, residues 294-314): RGGAGHWNGL[Tyr304Phe]RFKHLATGNY

ClinVar aggregate classification (germline): Uncertain significance (1 of 4 stars; one submission).

Submission:

GeneDx
Classification: Uncertain significance. Last evaluated: 2025-02-18. Review status: criteria provided, single submitter. Criteria: GeneDx Variant Classification Process June 2021. Collection method: clinical testing. Allele origin: germline. Affected: yes.
Comment: Not observed at significant frequency in large population cohorts (gnomAD); In silico analysis indicates that this missense variant does not alter protein structure/function; Has not been previously published as pathogenic or benign to our knowledge